The following is an entry in ClinVar:

ClinVar aggregate classification (germline): Uncertain significance. Review status: criteria provided, single submitter (1 of 4 stars). 2 submissions from 2 submitters: Uncertain significance (1). 1 of the submissions does not count toward it. Last evaluated 2026-04-10.
ClinVar aggregate classification (somatic clinical impact): Tier II - Potential (1 of 4 stars; one submission).

Conditions:
Hereditary cancer-predisposing syndrome. Also called: Hereditary neoplastic syndrome; Neoplastic Syndromes, Hereditary; Hereditary Cancer Syndrome; Tumor predisposition. Identifiers: Orphanet 140162, MedGen C0027672, MeSH D009386, MONDO:0015356.
Papillary renal cell carcinoma type 1 (RCCP1). Also called: Renal adenocarcinoma; Renal cell carcinoma 1; Renal cell carcinoma, somatic; RENAL CELL CARCINOMA, PAPILLARY, 1, SOMATIC. Identifiers: Orphanet 47044, MedGen C1336839, OMIM 605074, HP:0011797.
Embryonal rhabdomyosarcoma (ERMS). Also called: Botryoid rhabdomyosarcoma (type of ERMS); Spindle cell rhabdomyosarcomas (type of ERMS). Identifiers: Orphanet 99757, MedGen C0206656, MONDO:0009993, HP:0006743.

Submissions (3):

Ambry Genetics
Classification: Uncertain significance for Hereditary cancer-predisposing syndrome. Last evaluated: 2026-04-10. Review status: criteria provided, single submitter. Criteria: Ambry Variant Classification Scheme 2023. Collection method: clinical testing. Allele origin: germline.
Comment: The p.D1246N variant (also known as c.3736G>A), located in coding exon 18 of the MET gene, results from a G to A substitution at nucleotide position 3736. The aspartic acid at codon 1246 is replaced by asparagine, an amino acid with highly similar properties. This variant was reported in individual(s) with features consistent with MET-related papillary renal cell carcinoma (Schmidt L et al. Nat Genet, 1997 May;16:68-73). Functional studies showed that this variant promoted cell migration, anchorage-independent growth, and tumor growth in mice (Hervieu A et al. Sci Signal, 2020 Jun;13:). This amino acid position is highly conserved in available vertebrate species. In addition, the in silico prediction for this alteration is inconclusive. Based on the available evidence, the clinical significance of this variant remains unclear.

Institute for Genomic Medicine (IGM) Clinical Laboratory, Nationwide Children's Hospital
Classification: Tier II - Potential for Embryonal rhabdomyosarcoma. Assertion type: diagnostic. Clinical significance: supports diagnosis. Last evaluated: 2025-05-29. Review status: criteria provided, single submitter. Criteria: AMP/ASCO/CAP Guidelines, 2017. Collection method: clinical testing. Allele origin: somatic. Affected: yes.
Comment: Variant has Tier II (potential) clinical significance as a diagnostic inclusion criterion in embryonal rhabdomyosarcoma, based on the following evidence: 1) Documented in one or more cancer databases (e.g., St. Jude Pecan, COSMIC, CIViC, OncoKB). 2) Diagnostic significance based on multiple small studies (Evidence Level C; PMIDs: 24436047, 34166060).

OMIM
Classification: Pathogenic for RENAL CELL CARCINOMA, PAPILLARY, 1. Last evaluated: 1997-05-01. Review status: no assertion criteria provided. Collection method: literature only. Allele origin: germline. Not counted in ClinVar's aggregate classification.

Literature cited by the submitters: PubMed 32576681 (cited by Ambry Genetics); PubMed 9140397 (cited by Ambry Genetics and OMIM); PubMed 24436047 (cited by Institute for Genomic Medicine (IGM) Clinical Laboratory, Nationwide Children's Hospital); PubMed 34166060 (cited by Institute for Genomic Medicine (IGM) Clinical Laboratory, Nationwide Children's Hospital).

NM_000245.4(MET):c.3682G>A (p.Asp1228Asn)

Gene: MET (MET proto-oncogene, receptor tyrosine kinase; plus strand). Cytogenetic location: 7q31.2.
Variant type: single nucleotide variant.
Coding change: c.3682G>A on transcript NM_000245.4 (MANE Select); coding-DNA position 3682, G replaced by A.
Protein change: p.Asp1228Asn; replaces aspartic acid 1228 with asparagine.
Molecular consequence: missense variant.
Genome position (GRCh38, 1-based): chr7:116,783,353, G>A. VCF-style: chr7-116783353-G-A. GRCh37 (hg19) VCF-style: chr7-116423407-G-A.
Other names: c.3736G>A, p.Asp1246Asn (LRG_662t1, NM_001127500.3); c.2392G>A, p.Asp798Asn (NM_001324402.2); c.3736G>A (NM_001127500.1); short protein forms D1246N, D1228N, D798N.
Identifiers: ClinVar variation 13884 (VCV000013884.3), dbSNP rs121913671, ClinGen allele CA257000.